The following is an entry in ClinVar:

NM_022124.6(CDH23):c.8860G>A (p.Asp2954Asn)

Gene: CDH23 (cadherin related 23; plus strand). Cytogenetic location: 10q22.1.
Variant type: single nucleotide variant.
Coding change: c.8860G>A on transcript NM_022124.6 (MANE Select); coding-DNA position 8860, G replaced by A.
Protein change: p.Asp2954Asn; replaces aspartic acid 2954 with asparagine.
Molecular consequence: missense variant.
Genome position (GRCh38, 1-based): chr10:71,809,957, G>A. VCF-style: chr10-71809957-G-A. GRCh37 (hg19) VCF-style: chr10-73569714-G-A.
Other names: c.2140G>A, p.Asp714Asn (NM_001171933.1, NM_001171934.1); short protein forms D2954N, D714N.
Identifiers: ClinVar variation 1050747 (VCV001050747.4), dbSNP rs756793995, ClinGen allele CA5546771.

ClinVar aggregate classification (germline): Uncertain significance. Review status: criteria provided, multiple submitters, no conflicts (2 of 4 stars). 3 submissions from 3 submitters: Uncertain significance (2). 1 of the submissions does not count toward it. Last evaluated 2023-04-17.

Allele frequency attached by ClinVar (database versions not stated): gnomAD 0.00001; ExAC 0.00006.
gnomAD v4.1: 38 of 1,612,152 alleles (0.0024%); highest among the groups gnomAD compares: South Asian, 0.025%; no homozygotes.

Submissions (3):

Blueprint Genetics
Classification: Uncertain significance. Last evaluated: 2023-04-17. Review status: criteria provided, single submitter. Criteria: ACMG Guidelines, 2015. Collection method: clinical testing. Allele origin: germline.

Labcorp Genetics (formerly Invitae), Labcorp
Classification: Uncertain significance. Last evaluated: 2022-08-31. Review status: criteria provided, single submitter. Criteria: Invitae Variant Classification Sherloc (09022015). Collection method: clinical testing. Allele origin: germline.
Comment: This sequence change replaces aspartic acid, which is acidic and polar, with asparagine, which is neutral and polar, at codon 2954 of the CDH23 protein (p.Asp2954Asn). This variant is present in population databases (rs756793995, gnomAD 0.03%). This variant has not been reported in the literature in individuals affected with CDH23-related conditions. ClinVar contains an entry for this variant (Variation ID: 1050747). Algorithms developed to predict the effect of missense changes on protein structure and function are either unavailable or do not agree on the potential impact of this missense change (SIFT: "Deleterious"; PolyPhen-2: "Not Available"; Align-GVGD: "Class C0"). In summary, the available evidence is currently insufficient to determine the role of this variant in disease. Therefore, it has been classified as a Variant of Uncertain Significance.

Department of Pathology and Laboratory Medicine, Sinai Health System
Classification: Uncertain significance. Review status: no assertion criteria provided. Collection method: clinical testing. Allele origin: unknown. Affected: yes. Study: The Canadian Open Genetics Repository (COGR). Not counted in ClinVar's aggregate classification.
Comment: The CDH23 p.D2954N variant was not identified in the literature nor was it identified in ClinVar. The variant was identified in dbSNP (ID: rs756793995) and in control databases in 10 of 247290 chromosomes at a frequency of 0.00004044 (Genome Aggregation Database March 6, 2019, v2.1.1). The p.D2954 residue is conserved in mammals and computational analyses (MUT Assesor, PolyPhen-2, SIFT, MutationTaster, Revel, FATHMM, MetaLR, DANN) provide inconsistent predictions regarding the impact to the protein; this information is not very predictive of pathogenicity. The variant occurs outside of the splicing consensus sequence and in silico or computational prediction software programs (Splice AI exome) do not predict a deleterious effect on splicing. In summary, based on the above information the clinical significance of this variant cannot be determined with certainty at this time. This variant is classified as a variant of uncertain significance.